The following is an entry in ClinVar:

ClinVar aggregate classification (germline): Benign/Likely benign. Review status: criteria provided, multiple submitters, no conflicts (2 of 4 stars). 2 submissions from 2 submitters: Benign (1); Likely benign (1). Last evaluated 2026-03-01.

Allele frequency attached by ClinVar (database versions not stated): gnomAD exomes 0.00001 and 0.00006; TOPMed 0.00004; gnomAD 0.00005 and 0.00007; 1000 Genomes Project 30x 0.00062; ExAC 0.00008; 1000 Genomes Project 0.00060.
gnomAD v4.1: 28 of 1,614,210 alleles (0.0017%); highest among the groups gnomAD compares: East Asian, 0.058%; no homozygotes.

Submissions (2):

CeGaT Center for Human Genetics Tuebingen
Classification: Likely benign. Last evaluated: 2026-03-01. Review status: criteria provided, single submitter. Criteria: CeGaT Center For Human Genetics Tuebingen Variant Classification Criteria Version 2. Collection method: clinical testing. Allele origin: germline. Affected: yes. Observed: 1 variant allele.
Comment: POGZ: BP4

GeneDx
Classification: Benign. Last evaluated: 2021-10-17. Review status: criteria provided, single submitter. Criteria: GeneDx Variant Classification Process June 2021. Collection method: clinical testing. Allele origin: germline. Affected: yes.

NM_015100.4(POGZ):c.3898C>T (p.Leu1300=)

Gene: POGZ (pogo transposable element derived with ZNF domain; minus strand). Cytogenetic location: 1q21.3.
Variant type: single nucleotide variant.
Coding change: c.3898C>T on transcript NM_015100.4 (MANE Select); coding-DNA position 3898, C replaced by T.
Protein change: p.Leu1300=; no amino-acid change (leucine 1300 retained).
Molecular consequence: synonymous variant.
Genome position (GRCh38, 1-based): chr1:151,405,137, G>A on the plus strand (C>T on the coding strand, the complement: POGZ is on the minus strand). VCF-style: chr1-151405137-G-A. GRCh37 (hg19) VCF-style: chr1-151377613-G-A.
Other names: c.3871C>T, p.Leu1291= (NM_001194937.2); c.3712C>T, p.Leu1238= (NM_001194938.2); c.3613C>T, p.Leu1205= (NM_145796.4); c.3739C>T, p.Leu1247= (NM_207171.2).
Identifiers: ClinVar variation 1300603 (VCV001300603.6), dbSNP rs201722331, ClinGen allele CA1090897.